The following is an entry in ClinVar:

ClinVar aggregate classification (germline): Pathogenic (1 of 4 stars; one submission).

Conditions:
Neurofibromatosis, type 1 (NF1). Also called: NEUROFIBROMATOSIS, TYPE I, SOMATIC; Neurofibromatosis, type I; Peripheral type neurofibromatosis; VON RECKLINGHAUSEN DISEASE. Identifiers: Orphanet 636, MedGen C0027831, MONDO:0018975, OMIM 162200. Disease mechanism: loss of function.

Submission:

Labcorp Genetics (formerly Invitae), Labcorp
Classification: Pathogenic for Neurofibromatosis, type 1. Last evaluated: 2022-02-13. Review status: criteria provided, single submitter. Criteria: Invitae Variant Classification Sherloc (09022015). Collection method: clinical testing. Allele origin: germline.
Comment: For these reasons, this variant has been classified as Pathogenic. This variant has not been reported in the literature in individuals affected with NF1-related conditions. This variant is not present in population databases (gnomAD no frequency). This sequence change creates a premature translational stop signal (p.Leu2128*) in the NF1 gene. It is expected to result in an absent or disrupted protein product. Loss-of-function variants in NF1 are known to be pathogenic (PMID: 10712197, 23913538).

Literature cited by the submitters: PubMed 10712197; PubMed 23913538.

NM_001042492.3(NF1):c.6446del (p.Val2148_Leu2149insTer)

Gene: NF1 (neurofibromin 1; plus strand). Cytogenetic location: 17q11.2.
Variant type: Deletion.
Coding change: c.6446del on transcript NM_001042492.3 (MANE Select); coding-DNA position 6446, one base deleted (T; older notation c.6446delT).
Protein change: p.Val2148_Leu2149insTer.
Molecular consequence: nonsense. On other transcripts: frameshift variant (1).
Genome position (GRCh38, 1-based): chr17:31,337,386, T deleted; the last of 4 consecutive T bases (chr17:31,337,383-31,337,386); deleting any one gives the same sequence. VCF-style (leftmost placement, unchanged base first): chr17-31337382-GT-G. GRCh37 (hg19) VCF-style: chr17-29664400-GT-G.
Other names: c.6383delT, p.Leu2128Terfs (NM_000267.4).
Identifiers: ClinVar variation 2097409 (VCV002097409.4), dbSNP rs2508752953, ClinGen allele CA2580093365.